The following is an entry in ClinVar:

NM_014681.6(DHX34):c.2045A>C (p.Asn682Thr)

Gene: DHX34 (DExH-box helicase 34; plus strand). Cytogenetic location: 19q13.32.
Variant type: single nucleotide variant.
Coding change: c.2045A>C on transcript NM_014681.6 (MANE Select); coding-DNA position 2045, A replaced by C.
Protein change: p.Asn682Thr; replaces asparagine 682 with threonine.
Molecular consequence: missense variant.
Genome position (GRCh38, 1-based): chr19:47,373,681, A>C. VCF-style: chr19-47373681-A-C. GRCh37 (hg19) VCF-style: chr19-47876938-A-C.
Other names: c.2045A>C (NM_014681.5); short protein forms N682T.
Identifiers: ClinVar variation 2663976 (VCV002663976.2), dbSNP rs893279710, ClinGen allele CA309166938.

ClinVar aggregate classification (germline): Uncertain significance. Review status: criteria provided, multiple submitters, no conflicts (2 of 4 stars). 2 submissions from 2 submitters: Uncertain significance (2). Last evaluated 2025-01-15.

Conditions:
DHX34-associated thromobocytopenia.

Submissions (2):

Ambry Genetics
Classification: Uncertain significance. Last evaluated: 2025-01-15. Review status: criteria provided, single submitter. Criteria: Ambry Variant Classification Scheme 2023. Collection method: clinical testing. Allele origin: germline.

St. Jude Molecular Pathology, St. Jude Children's Research Hospital
Classification: Uncertain significance for DHX34-associated thromobocytopenia. Last evaluated: 2023-11-06. Review status: criteria provided, single submitter. Criteria: St. Jude Assertion Criteria 2020. Collection method: clinical testing. Allele origin: germline.
Comment: The DHX34 c.2045A>C (p.Asn682Thr) missense change has a maximum subpopulation frequency of 0.0044% in gnomAD v2.1.1. The in silico tool REVEL predicts a benign effect on protein function, but to our knowledge this prediction has not been confirmed by functional studies. To our knowledge, this variant has not been reported in the literature in individuals with DHX34-associated clinical phenotypes. In summary, the evidence currently available is insufficient to determine the clinical significance of this variant. It has therefore been classified as of uncertain significance.